The following is an entry in ClinVar:

ClinVar aggregate classification (germline): Uncertain significance (1 of 4 stars; one submission).

Conditions:
Multiple gastrointestinal atresias. Also called: Multiple intestinal atresia; FAMILIAL INTESTINAL POLYATRESIA SYNDROME. Identifiers: Orphanet 2300, MedGen C0220744, MONDO:0009465.

Allele frequency attached by ClinVar (database versions not stated): gnomAD exomes below 0.00001.
gnomAD v4.1: 3 of 1,612,424 alleles (0.00019%); highest among the groups gnomAD compares: Non-Finnish European, 0.00025%; no homozygotes.

Submission:

Labcorp Genetics (formerly Invitae), Labcorp
Classification: Uncertain significance for Multiple gastrointestinal atresias. Last evaluated: 2019-09-19. Review status: criteria provided, single submitter. Criteria: Invitae Variant Classification Sherloc (09022015). Collection method: clinical testing. Allele origin: germline.
Comment: This sequence change falls in intron 16 of the TTC7A gene. It does not directly change the encoded amino acid sequence of the TTC7A protein, but it affects a nucleotide within the consensus splice site of the intron. This variant is not present in population databases (ExAC no frequency). This variant has not been reported in the literature in individuals with TTC7A-related conditions. Nucleotide substitutions within the consensus splice site are a relatively common cause of aberrant splicing (PMID: 17576681, 9536098). Algorithms developed to predict the effect of sequence changes on RNA splicing suggest that this variant may disrupt the consensus splice site, but this prediction has not been confirmed by published transcriptional studies. In summary, the available evidence is currently insufficient to determine the role of this variant in disease. Therefore, it has been classified as a Variant of Uncertain Significance.

NM_020458.4(TTC7A):c.1919+5G>A

Gene: TTC7A (tetratricopeptide repeat domain 7A; plus strand). Cytogenetic location: 2p21.
Variant type: single nucleotide variant.
Coding change: c.1919+5G>A on transcript NM_020458.4 (MANE Select); 5 bases into the intron after coding-DNA position 1919, G replaced by A.
Molecular consequence: intron variant.
Genome position (GRCh38, 1-based): chr2:47,046,436, G>A. VCF-style: chr2-47046436-G-A. GRCh37 (hg19) VCF-style: chr2-47273575-G-A.
Other names: c.1817+5G>A (NM_001288953.2); c.1919+5G>A (NM_001288951.2); c.857+5G>A (NM_001288955.2).
Identifiers: ClinVar variation 934091 (VCV000934091.1), dbSNP rs1682329057, ClinGen allele CA1139657027.